The following is an entry in ClinVar:

ClinVar aggregate classification (germline): Uncertain significance. Review status: criteria provided, multiple submitters, no conflicts (2 of 4 stars). 2 submissions from 2 submitters: Uncertain significance (2). Last evaluated 2024-04-15.

Submissions (2):

Labcorp Genetics (formerly Invitae), Labcorp
Classification: Uncertain significance. Last evaluated: 2024-04-15. Review status: criteria provided, single submitter. Criteria: Invitae Variant Classification Sherloc (09022015). Collection method: clinical testing. Allele origin: germline.
Comment: This sequence change replaces serine, which is neutral and polar, with proline, which is neutral and non-polar, at codon 484 of the ATP1A1 protein (p.Ser484Pro). This variant is not present in population databases (gnomAD no frequency). This variant has not been reported in the literature in individuals affected with ATP1A1-related conditions. ClinVar contains an entry for this variant (Variation ID: 2497996). Advanced modeling of protein sequence and biophysical properties (such as structural, functional, and spatial information, amino acid conservation, physicochemical variation, residue mobility, and thermodynamic stability) has been performed at Invitae for this missense variant, however the output from this modeling did not meet the statistical confidence thresholds required to predict the impact of this variant on ATP1A1 protein function. In summary, the available evidence is currently insufficient to determine the role of this variant in disease. Therefore, it has been classified as a Variant of Uncertain Significance.

GeneDx
Classification: Uncertain significance. Last evaluated: 2022-10-04. Review status: criteria provided, single submitter. Criteria: GeneDx Variant Classification Process June 2021. Collection method: clinical testing. Allele origin: germline. Affected: yes.
Comment: Not observed at significant frequency in large population cohorts (gnomAD); In silico analysis supports that this missense variant has a deleterious effect on protein structure/function; Has not been previously published as pathogenic or benign to our knowledge

NM_000701.8(ATP1A1):c.1450T>C (p.Ser484Pro)

Genes: ATP1A1 (ATPase Na+/K+ transporting subunit alpha 1; plus strand), ATP1A1-AS1 (ATP1A1 antisense RNA 1; minus strand). Cytogenetic location: 1p13.1.
Variant type: single nucleotide variant.
Coding change: c.1450T>C on transcript NM_000701.8 (MANE Select); coding-DNA position 1450, T replaced by C.
Protein change: p.Ser484Pro; replaces serine 484 with proline.
Molecular consequence: missense variant. On other transcripts: non-coding transcript variant (1).
Genome position (GRCh38, 1-based): chr1:116,392,971, T>C. VCF-style: chr1-116392971-T-C. GRCh37 (hg19) VCF-style: chr1-116935593-T-C.
Other names: c.1450T>C, p.Ser484Pro (NM_001160233.2); c.1357T>C, p.Ser453Pro (NM_001160234.2); short protein forms S453P, S484P.
Identifiers: ClinVar variation 2497996 (VCV002497996.3), dbSNP rs2525850067, ClinGen allele CA341770616.